The following is an entry in ClinVar:

NM_000387.6(SLC25A20):c.105+1G>T

Gene: SLC25A20 (solute carrier family 25 member 20; minus strand). Cytogenetic location: 3p21.31.
Variant type: single nucleotide variant.
Coding change: c.105+1G>T on transcript NM_000387.6 (MANE Select); the canonical splice donor site of the intron after coding-DNA position 105, G replaced by T.
Molecular consequence: splice donor variant.
Genome position (GRCh38, 1-based): chr3:48,898,689, C>A on the plus strand (G>T on the coding strand, the complement: SLC25A20 is on the minus strand). VCF-style: chr3-48898689-C-A. GRCh37 (hg19) VCF-style: chr3-48936122-C-A.
Identifiers: ClinVar variation 1067105 (VCV001067105.7), dbSNP rs970037429, ClinGen allele CA74001822.

ClinVar aggregate classification (germline): Likely pathogenic. Review status: criteria provided, multiple submitters, no conflicts (2 of 4 stars). 3 submissions from 3 submitters: Likely pathogenic (3). Last evaluated 2023-09-27.

Conditions:
Carnitine acylcarnitine translocase deficiency (CACTD). Identifiers: Orphanet 159, MedGen C0342791, MONDO:0008918, OMIM 212138.

Allele frequency attached by ClinVar (database versions not stated): gnomAD exomes below 0.00001.
gnomAD v4.1: 5 of 1,600,792 alleles (0.00031%); highest among the groups gnomAD compares: Non-Finnish European, 0.00034%; no homozygotes.

Submissions (3):

Baylor Genetics
Classification: Likely pathogenic for Carnitine acylcarnitine translocase deficiency. Last evaluated: 2023-09-27. Review status: criteria provided, single submitter. Criteria: ACMG Guidelines, 2015. Collection method: clinical testing. Allele origin: unknown.

Labcorp Genetics (formerly Invitae), Labcorp
Classification: Likely pathogenic for Carnitine acylcarnitine translocase deficiency. Last evaluated: 2020-04-21. Review status: criteria provided, single submitter. Criteria: Invitae Variant Classification Sherloc (09022015). Collection method: clinical testing. Allele origin: germline.
Comment: In summary, the currently available evidence indicates that the variant is pathogenic, but additional data are needed to prove that conclusively. Therefore, this variant has been classified as Likely Pathogenic. Donor and acceptor splice site variants typically lead to a loss of protein function (PMID: 16199547), and loss-of-function variants in SLC25A20 are known to be pathogenic (PMID: 25614308). Algorithms developed to predict the effect of sequence changes on RNA splicing suggest that this variant may disrupt the consensus splice site, but this prediction has not been confirmed by published transcriptional studies. This variant has not been reported in the literature in individuals with SLC25A20-related conditions. This variant is not present in population databases (ExAC no frequency). This sequence change affects a donor splice site in intron 1 of the SLC25A20 gene. It is expected to disrupt RNA splicing and likely results in an absent or disrupted protein product.

CENTOGENE GmbH and LLC - Guiding Precision Medicine
Classification: Likely pathogenic for Carnitine acylcarnitine translocase deficiency. Last evaluated: 2018-12-28. Review status: criteria provided, single submitter. Criteria: ACMG Guidelines, 2015. Collection method: clinical testing. Allele origin: germline. Affected: yes.

Literature cited by the submitters: PubMed 16199547 (cited by Labcorp Genetics (formerly Invitae), Labcorp); PubMed 25614308 (cited by Labcorp Genetics (formerly Invitae), Labcorp).